The following is an entry in ClinVar:

NM_198578.4(LRRK2):c.4036G>A (p.Gly1346Ser)

Gene: LRRK2 (leucine rich repeat kinase 2; plus strand). Cytogenetic location: 12q12.
Variant type: single nucleotide variant.
Coding change: c.4036G>A on transcript NM_198578.4 (MANE Select); coding-DNA position 4036, G replaced by A.
Protein change: p.Gly1346Ser; replaces glycine 1346 with serine.
Molecular consequence: missense variant.
Genome position (GRCh38, 1-based): chr12:40,308,543, G>A. VCF-style: chr12-40308543-G-A. GRCh37 (hg19) VCF-style: chr12-40702345-G-A.
Other names: short protein forms G1346S.
Identifiers: ClinVar variation 2562434 (VCV002562434.2), dbSNP rs2499812321, ClinGen allele CA384417610.

ClinVar aggregate classification (germline): Uncertain significance (1 of 4 stars; one submission).

Conditions:
Inborn genetic diseases. Identifiers: MedGen C0950123, MeSH D030342.

Submission:

Ambry Genetics
Classification: Uncertain significance for Inborn genetic diseases. Last evaluated: 2023-03-19. Review status: criteria provided, single submitter. Criteria: Ambry Variant Classification Scheme 2023. Collection method: clinical testing. Allele origin: germline.
Comment: The p.G1346S variant (also known as c.4036G>A), located in coding exon 29 of the LRRK2 gene, results from a G to A substitution at nucleotide position 4036. The glycine at codon 1346 is replaced by serine, an amino acid with similar properties. This amino acid position is conserved. In addition, this alteration is predicted to be deleterious by in silico analysis. Since supporting evidence is limited at this time, the clinical significance of this alteration remains unclear.